The following is an entry in ClinVar:

NM_024642.5(GALNT12):c.732-4_771dup

Gene: GALNT12 (polypeptide N-acetylgalactosaminyltransferase 12; plus strand). Cytogenetic location: 9q22.33.
Variant type: Duplication.
Coding change: c.732-4_771dup on transcript NM_024642.5 (MANE Select); 4 bases into the intron before coding-DNA position 732 through coding-DNA position 771, 44 bases duplicated.
Molecular consequence: splice acceptor variant.
Genome position (GRCh38, 1-based): chr9:98,831,768-98,831,811, 44 bases duplicated; duplicating any 44 consecutive bases within chr9:98,831,766-98,831,811 gives the same sequence; the c. name uses the placement nearest the transcript's 3' end. GRCh37 (hg19): chr9:101,594,050-101,594,093.
Identifiers: ClinVar variation 1431061 (VCV001431061.8), dbSNP rs745921546, ClinGen allele CA5154047.
Genomic context (GRCh38, chr9:98,831,765, plus strand): 5'-TTTCCCAATTGTCTTCCTGCTGCCCGTCTGCATAGGAGAGACGGATGGATGTCTTGGGTG[C>CTTTCAGGATCCATGAAGAGGAGTCGGCAGTGGTGTGCCCGGTGA]TTTCAGGATCCATGAAGAGGAGTCGGCAGTGGTGTGCCCGGTGATTGATGTGATCGACTG-3'

ClinVar aggregate classification (germline): Uncertain significance. Review status: criteria provided, multiple submitters, no conflicts (2 of 4 stars). 2 submissions from 2 submitters: Uncertain significance (2). Last evaluated 2023-10-24.

Submissions (2):

Labcorp Genetics (formerly Invitae), Labcorp
Classification: Uncertain significance. Last evaluated: 2023-10-24. Review status: criteria provided, single submitter. Criteria: Invitae Variant Classification Sherloc (09022015). Collection method: clinical testing. Allele origin: germline.
Comment: This sequence change falls in intron 3 of the GALNT12 gene. It does not directly change the encoded amino acid sequence of the GALNT12 protein. This variant is present in population databases (rs745921546, gnomAD 0.006%). This variant has not been reported in the literature in individuals affected with GALNT12-related conditions. ClinVar contains an entry for this variant (Variation ID: 1431061). Experimental studies and prediction algorithms are not available or were not evaluated, and the effect of this variant on mRNA splicing is currently unknown. In summary, the available evidence is currently insufficient to determine the role of this variant in disease. Therefore, it has been classified as a Variant of Uncertain Significance.

Ambry Genetics
Classification: Uncertain significance. Last evaluated: 2021-05-26. Review status: criteria provided, single submitter. Criteria: Ambry Variant Classification Scheme 2023. Collection method: clinical testing. Allele origin: germline.
Comment: The c.732-4_771dup44 duplication is located at the junction between intron 3 and coding exon 4 in the GALNT12 gene. This variant results from the duplication of 44 nucleotides (TCAGGATCCATGAAGAGGAGTCGGCAGTGGTGTGCCCGGTGATT) at positions c.732-4 to c.771. In silico splice site analysis predicts that this alteration may result in the creation or strengthening of a novel splice acceptor site; however, the exact impact of this duplication on GALNT12 splicing and function is unknown at this time. Since supporting evidence is limited at this time, the clinical significance of this alteration remains unclear.